The following is an entry in ClinVar:

NM_001082486.2(ACD):c.29G>A (p.Arg10Gln)

Gene: ACD (ACD shelterin complex subunit and telomerase recruitment factor; minus strand). Cytogenetic location: 16q22.1.
Variant type: single nucleotide variant.
Coding change: c.29G>A on transcript NM_001082486.2 (MANE Select); coding-DNA position 29, G replaced by A.
Protein change: p.Arg10Gln; replaces arginine 10 with glutamine.
Molecular consequence: missense variant.
Genome position (GRCh38, 1-based): chr16:67,660,192, C>T on the plus strand (G>A on the coding strand, the complement: ACD is on the minus strand). VCF-style: chr16-67660192-C-T. GRCh37 (hg19) VCF-style: chr16-67694095-C-T.
Other names: c.29G>A, p.Arg10Gln (NM_001410884.1, NM_022914.3); short protein forms R10Q.
Identifiers: ClinVar variation 3479777 (VCV003479777.1).

ClinVar aggregate classification (germline): Uncertain significance (1 of 4 stars; one submission).

Conditions:
Inborn genetic diseases. Identifiers: MedGen C0950123, MeSH D030342.

Submission:

Ambry Genetics
Classification: Uncertain significance for Inborn genetic diseases. Last evaluated: 2024-08-19. Review status: criteria provided, single submitter. Criteria: Ambry Variant Classification Scheme 2023. Collection method: clinical testing. Allele origin: germline.
Comment: The p.R96Q variant (also known as c.287G>A), located in coding exon 1 of the ACD gene, results from a G to A substitution at nucleotide position 287. The arginine at codon 96 is replaced by glutamine, an amino acid with highly similar properties. This amino acid position is conserved. In addition, this alteration is predicted to be tolerated by in silico analysis. Based on the available evidence, the clinical significance of this variant remains unclear.